The following is an entry in ClinVar:

NC_012920.1(MT-CYB):m.15525A>G

Gene: MT-CYB (mitochondrially encoded cytochrome b; plus strand).
Variant type: single nucleotide variant.
Genome position: chrM-15525-A-G.
Identifiers: ClinVar variation 693901 (VCV000693901.1), dbSNP rs1603225333, ClinGen allele CA913174107.

ClinVar aggregate classification (germline): Uncertain significance (1 of 4 stars; one submission).

Conditions:
Leigh syndrome (NULS). Also called: Leigh's necrotizing encephalopathy; Leigh's disease; Leigh's syndrome; LEIGH SYNDROME, NUCLEAR; Leigh Syndrome (mtDNA deletion); Leigh Disease. Identifiers: Orphanet 506, MedGen C2931891, MONDO:0009723, OMIM 256000.

Submission:

Wong Mito Lab, Molecular and Human Genetics, Baylor College of Medicine
Classification: Uncertain significance for Leigh syndrome. Last evaluated: 2019-10-17. Review status: criteria provided, single submitter. Criteria: Modified ACMG Guidelines (Unpublished). Collection method: clinical testing. Allele origin: germline.
Comment: The NC_012920.1:m.15525A>G (YP_003024038.1:p.Asn260Ser) variant in MTCYB gene is interpretated to be a Uncertain Significance variant based on the modified ACMG guidelines (unpublished). This variant meets the following evidence codes: no criteria